The following is an entry in ClinVar:

ClinVar aggregate classification (germline): Uncertain significance (1 of 4 stars; one submission).

Conditions:
Hereditary diffuse gastric adenocarcinoma (HDGC). Also called: DIFFUSE GASTRIC AND LOBULAR BREAST CANCER SYNDROME. Identifiers: Orphanet 26106, MedGen C1708349, MONDO:0007648, OMIM 137215.

Allele frequency attached by ClinVar (database versions not stated): gnomAD exomes below 0.00001.
gnomAD v4.1: 1 of 1,614,218 alleles (0.000062%); highest among the groups gnomAD compares: Non-Finnish European, 0.000085%; no homozygotes.

Submission:

Labcorp Genetics (formerly Invitae), Labcorp
Classification: Uncertain significance for Hereditary diffuse gastric adenocarcinoma. Last evaluated: 2022-10-07. Review status: criteria provided, single submitter. Criteria: Invitae Variant Classification Sherloc (09022015). Collection method: clinical testing. Allele origin: germline.
Comment: This sequence change replaces glutamine, which is neutral and polar, with arginine, which is basic and polar, at codon 857 of the CDH1 protein (p.Gln857Arg). This variant is not present in population databases (gnomAD no frequency). This variant has not been reported in the literature in individuals affected with CDH1-related conditions. Algorithms developed to predict the effect of missense changes on protein structure and function are either unavailable or do not agree on the potential impact of this missense change (SIFT: "Deleterious"; PolyPhen-2: "Probably Damaging"; Align-GVGD: "Class C0"). In summary, the available evidence is currently insufficient to determine the role of this variant in disease. Therefore, it has been classified as a Variant of Uncertain Significance.

NM_004360.5(CDH1):c.2570A>G (p.Gln857Arg)

Gene: CDH1 (cadherin 1; plus strand). Cytogenetic location: 16q22.1.
Variant type: single nucleotide variant.
Coding change: c.2570A>G on transcript NM_004360.5 (MANE Select); coding-DNA position 2570, A replaced by G.
Protein change: p.Gln857Arg; replaces glutamine 857 with arginine.
Molecular consequence: missense variant.
Genome position (GRCh38, 1-based): chr16:68,833,420, A>G. VCF-style: chr16-68833420-A-G. GRCh37 (hg19) VCF-style: chr16-68867323-A-G.
Other names: c.2387A>G, p.Gln796Arg (NM_001317184.2); c.1022A>G, p.Gln341Arg (NM_001317185.2); c.605A>G, p.Gln202Arg (NM_001317186.2); short protein forms Q341R, Q202R, Q857R, Q796R.
Identifiers: ClinVar variation 2014501 (VCV002014501.4), dbSNP rs2152144105, ClinGen allele CA396472503.